The following is an entry in ClinVar:

NM_018979.4(WNK1):c.5998G>A (p.Glu2000Lys)

Gene: WNK1 (WNK lysine deficient protein kinase 1; plus strand). Cytogenetic location: 12p13.33.
Variant type: single nucleotide variant.
Coding change: c.5998G>A on transcript NM_018979.4 (MANE Select); coding-DNA position 5998, G replaced by A.
Protein change: p.Glu2000Lys; replaces glutamic acid 2000 with lysine.
Molecular consequence: missense variant.
Genome position (GRCh38, 1-based): chr12:896,485, G>A. VCF-style: chr12-896485-G-A. GRCh37 (hg19) VCF-style: chr12-1005651-G-A.
Other names: c.6778G>A, p.Glu2260Lys (NM_001184985.2); c.5254G>A, p.Glu1752Lys (NM_014823.3); c.6754G>A, p.Glu2252Lys (NM_213655.5); short protein forms E1752K, E2000K, E2252K, E2260K.
Identifiers: ClinVar variation 1009779 (VCV001009779.8), dbSNP rs774666279, ClinGen allele CA383336061.

ClinVar aggregate classification (germline): Uncertain significance (1 of 4 stars; one submission).

Conditions:
Pseudohypoaldosteronism type 2C (PHA2C). Also called: Pseudohypoaldosteronism Type IIC. Identifiers: Orphanet 757, Orphanet 88940, MedGen C1840391, MONDO:0013778, OMIM 614492.
Neuropathy, hereditary sensory and autonomic, type 2A (HSAN2A). Also called: ACROOSTEOLYSIS, GIACCAI TYPE; ACROOSTEOLYSIS, NEUROGENIC; MORVAN DISEASE; NEUROPATHY, CONGENITAL SENSORY; NEUROPATHY, HEREDITARY SENSORY RADICULAR, AUTOSOMAL RECESSIVE; NEUROPATHY, HEREDITARY SENSORY, TYPE IIA. Identifiers: Orphanet 970, MedGen C2752089, MONDO:0024309, OMIM 201300.

gnomAD v4.1: 1 of 1,613,866 alleles (0.000062%); no homozygotes.

Submission:

Labcorp Genetics (formerly Invitae), Labcorp
Classification: Uncertain significance for Neuropathy, hereditary sensory and autonomic, type 2A; Pseudohypoaldosteronism type 2C. Last evaluated: 2023-06-17. Review status: criteria provided, single submitter. Criteria: Invitae Variant Classification Sherloc (09022015). Collection method: clinical testing. Allele origin: germline.
Comment: This sequence change replaces glutamic acid, which is acidic and polar, with lysine, which is basic and polar, at codon 2252 of the WNK1 protein (p.Glu2252Lys). This variant is not present in population databases (gnomAD no frequency). This variant has not been reported in the literature in individuals affected with WNK1-related conditions. ClinVar contains an entry for this variant (Variation ID: 1009779). Advanced modeling of protein sequence and biophysical properties (such as structural, functional, and spatial information, amino acid conservation, physicochemical variation, residue mobility, and thermodynamic stability) performed at Invitae indicates that this missense variant is not expected to disrupt WNK1 protein function. In summary, the available evidence is currently insufficient to determine the role of this variant in disease. Therefore, it has been classified as a Variant of Uncertain Significance.